The following is an entry in ClinVar:

NM_001375380.1(EBF3):c.461T>A (p.Leu154Gln)

Gene: EBF3 (EBF transcription factor 3; minus strand). Cytogenetic location: 10q26.3.
Variant type: single nucleotide variant.
Coding change: c.461T>A on transcript NM_001375380.1 (MANE Select); coding-DNA position 461, T replaced by A.
Protein change: p.Leu154Gln; replaces leucine 154 with glutamine.
Molecular consequence: missense variant.
Genome position (GRCh38, 1-based): chr10:129,958,958, A>T on the plus strand (T>A on the coding strand, the complement: EBF3 is on the minus strand). VCF-style: chr10-129958958-A-T. GRCh37 (hg19) VCF-style: chr10-131757222-A-T.
Other names: c.461T>A, p.Leu154Gln (NM_001005463.3, NM_001375379.1, NM_001375389.1 and 3 more transcripts); short protein forms L154Q.
Identifiers: ClinVar variation 4526887 (VCV004526887.1).

ClinVar aggregate classification (germline): Pathogenic (1 of 4 stars; one submission).

Conditions:
Hypotonia, ataxia, and delayed development syndrome (HADDS). Also called: EBF3 Neurodevelopmental Disorder. Identifiers: Orphanet 658843, MedGen C4310618, MONDO:0015021, OMIM 617330.

Submission:

Molecular Genetics Laboratory, Motol Hospital
Classification: Pathogenic for Hypotonia, ataxia, and delayed development syndrome. Last evaluated: 2025-11-07. Review status: criteria provided, single submitter. Criteria: ACMG Guidelines, 2015. Collection method: clinical testing. Allele origin: de novo. Affected: yes. Observed: 1 variant allele.
Comment: Not present in gnomAD (v4.1.0), dbSNP or ClinVar (PM2). Rare variants affecting the EBF3 gene are associated with AD "hypotonia, ataxia, and delayed development syndrome" (HADDS; MIM:617330; PMID:28017372;PMID:35340043;PMID:28017373;PMID:28017370). The non-truncating variant is located in a mutational hotspot in the exon 5 of the EBF3 gene (PM1). Different amino acid change c.461_462delinsCT is a known pathogenic variant (ClinVar Variation ID:560684) (PM5). To conclude, the variant c.461T>A is classified as pathogenic (PS2, PM2, PM1, PM5, PP2, PP3).

Literature cited by the submitters: PubMed 28017372; PubMed 35340043; PubMed 28017373; PubMed 28017370.